The following is an entry in ClinVar:

NM_000057.4(BLM):c.2404_2407del (p.Gln802fs)

Gene: BLM (BLM RecQ like helicase; plus strand). Cytogenetic location: 15q26.1.
Variant type: Microsatellite.
Coding change: c.2404_2407del on transcript NM_000057.4 (MANE Select); coding-DNA positions 2404 to 2407, 4 bases deleted (TCAG; older notation c.2404_2407delTCAG).
Protein change: p.Gln802fs; shifts the reading frame from glutamine 802.
Molecular consequence: frameshift variant.
Genome position (GRCh38, 1-based): chr15:90,769,228-90,769,231, TCAG deleted; deleting any 4 consecutive bases within chr15:90,769,223-90,769,231 gives the same sequence; the c. name uses the placement nearest the transcript's 3' end. VCF-style (leftmost placement, unchanged base first): chr15-90769222-TGTCA-T. GRCh37 (hg19) VCF-style: chr15-91312452-TGTCA-T.
Other names: c.2404_2407del, p.Gln802fs (NM_001287246.2, NM_001287247.2); c.1279_1282del, p.Gln427fs (NM_001287248.2); c.2403_2406del (NM_000057.4); short protein forms Q427fs, Q802fs.
Identifiers: ClinVar variation 941878 (VCV000941878.13), dbSNP rs1567045235, ClinGen allele CA619860743.

ClinVar aggregate classification (germline): Pathogenic/Likely pathogenic. Review status: criteria provided, multiple submitters, no conflicts (2 of 4 stars). 3 submissions from 3 submitters: Pathogenic (2); Likely pathogenic (1). Last evaluated 2024-10-16.

Conditions:
Hereditary cancer-predisposing syndrome. Also called: Hereditary neoplastic syndrome; Neoplastic Syndromes, Hereditary; Tumor predisposition; Hereditary Cancer Syndrome. Identifiers: Orphanet 140162, MedGen C0027672, MeSH D009386, MONDO:0015356.
Bloom syndrome (BLM). Also called: Bloom-Torre-Machacek syndrome. Identifiers: Orphanet 125, MedGen C0005859, MONDO:0008876, OMIM 210900.

Submissions (3):

Labcorp Genetics (formerly Invitae), Labcorp
Classification: Pathogenic for Bloom syndrome. Last evaluated: 2024-10-16. Review status: criteria provided, single submitter. Criteria: Invitae Variant Classification Sherloc (09022015). Collection method: clinical testing. Allele origin: germline.
Comment: This sequence change creates a premature translational stop signal (p.Gln802Glyfs*12) in the BLM gene. It is expected to result in an absent or disrupted protein product. Loss-of-function variants in BLM are known to be pathogenic (PMID: 17407155). This variant is present in population databases (no rsID available, gnomAD 0.006%). This premature translational stop signal has been observed in individual(s) with breast cancer (PMID: 28724667). This variant is also known as c.2398_2401del. ClinVar contains an entry for this variant (Variation ID: 941878). For these reasons, this variant has been classified as Pathogenic.

Baylor Genetics
Classification: Likely pathogenic for Bloom syndrome. Last evaluated: 2024-02-05. Review status: criteria provided, single submitter. Criteria: ACMG Guidelines, 2015. Collection method: clinical testing. Allele origin: unknown.

Ambry Genetics
Classification: Pathogenic for Hereditary cancer-predisposing syndrome. Last evaluated: 2020-08-12. Review status: criteria provided, single submitter. Criteria: Ambry General Variant Classification Scheme_2022. Collection method: clinical testing. Allele origin: germline. Observed: 1 variant allele.
Comment: The c.2403_2406delTCAG pathogenic mutation, located in coding exon 10 of the BLM gene, results from a deletion of 4 nucleotides at nucleotide positions 2403 to 2406, causing a translational frameshift with a predicted alternate stop codon (p.Q802Gfs*12). This alteration is expected to result in loss of function by premature protein truncation or nonsense-mediated mRNA decay. As such, this alteration is interpreted as a disease-causing mutation.

Literature cited by the submitters: PubMed 17407155 (cited by Labcorp Genetics (formerly Invitae), Labcorp); PubMed 28724667 (cited by Labcorp Genetics (formerly Invitae), Labcorp).